The following is an entry in ClinVar:

ClinVar aggregate classification (germline): Pathogenic. Review status: criteria provided, multiple submitters, no conflicts (2 of 4 stars). 3 submissions from 3 submitters: Pathogenic (3). Last evaluated 2025-11-17.

Conditions:
Hermansky-Pudlak syndrome 3 (HPS3). Identifiers: Orphanet 231512, Orphanet 79430, MedGen C3888001, MONDO:0013555, OMIM 614072.

Submissions (3):

Myriad Genetics, Inc.
Classification: Pathogenic for Hermansky-Pudlak syndrome 3. Last evaluated: 2025-11-17. Review status: criteria provided, single submitter. Criteria: Myriad Autosomal Dominant, Autosomal Recessive and X-Linked Classification Criteria (2023). Collection method: clinical testing. Allele origin: unknown.
Comment: NM_032383.3(HPS3):c.1631delA(K544Rfs*52) is expected to be pathogenic in the context of Hermansky-Pudlak syndrome, HPS3-related. This variant is predicted to lead to an abnormal or absent protein product due to the creation of a premature termination codon in HPS3, a gene where loss-of-function variants are known to be pathogenic. Please note: this variant was assessed in the context of healthy population screening.

Baylor Genetics
Classification: Pathogenic for Hermansky-Pudlak syndrome 3. Last evaluated: 2023-12-23. Review status: criteria provided, single submitter. Criteria: ACMG Guidelines, 2015. Collection method: clinical testing. Allele origin: unknown.

Labcorp Genetics (formerly Invitae), Labcorp
Classification: Pathogenic. Last evaluated: 2022-03-02. Review status: criteria provided, single submitter. Criteria: Invitae Variant Classification Sherloc (09022015). Collection method: clinical testing. Allele origin: germline.
Comment: For these reasons, this variant has been classified as Pathogenic. This premature translational stop signal has been observed in individual(s) with Hermansky-Pudlak syndrome (PMID: 32725903). This variant is not present in population databases (gnomAD no frequency). This sequence change creates a premature translational stop signal (p.Lys544Argfs*52) in the HPS3 gene. It is expected to result in an absent or disrupted protein product. Loss-of-function variants in HPS3 are known to be pathogenic (PMID: 11590544).

Literature cited by the submitters: PubMed 32725903 (cited by Labcorp Genetics (formerly Invitae), Labcorp); PubMed 11590544 (cited by Labcorp Genetics (formerly Invitae), Labcorp).

NM_032383.5(HPS3):c.1631del (p.Lys544fs)

Gene: HPS3 (HPS3 biogenesis of lysosomal organelles complex 2 subunit 1; plus strand). Cytogenetic location: 3q24.
Variant type: Deletion.
Coding change: c.1631del on transcript NM_032383.5 (MANE Select); coding-DNA position 1631, one base deleted (A; older notation c.1631delA).
Protein change: p.Lys544fs; shifts the reading frame from lysine 544.
Molecular consequence: frameshift variant.
Genome position (GRCh38, 1-based): chr3:149,157,471, A deleted; the last of 2 consecutive A bases (chr3:149,157,470-149,157,471); deleting either gives the same sequence. VCF-style (leftmost placement, unchanged base first): chr3-149157469-GA-G. GRCh37 (hg19) VCF-style: chr3-148875256-GA-G.
Other names: c.1136del, p.Lys379fs (NM_001308258.2); short protein forms K544fs, K379fs.
Identifiers: ClinVar variation 1987359 (VCV001987359.6), dbSNP rs1180676335, ClinGen allele CA900475953.
Genomic context (GRCh38, chr3:149,157,469, plus strand): 5'-TGAGGCTCATCTGTTAGTGCGAGCTGCCCTGATGGATGCCAGTCAGCTGGAACCTGGAGA[GA>G]AGGCAGAGCTTTTGGAAGCATTTAAGGAAAGCTGTGGGCACCTTGGGGACTGTTACAGCA-3'